The following is an entry in ClinVar:

NM_183381.3(RNF13):c.409+15C>G

Gene: RNF13 (ring finger protein 13; plus strand). Cytogenetic location: 3q25.1.
Variant type: single nucleotide variant.
Coding change: c.409+15C>G on transcript NM_183381.3 (MANE Select); 15 bases into the intron after coding-DNA position 409, C replaced by G.
Molecular consequence: intron variant.
Genome position (GRCh38, 1-based): chr3:149,895,575, C>G. VCF-style: chr3-149895575-C-G. GRCh37 (hg19) VCF-style: chr3-149613362-C-G.
Other names: c.409+15C>G (NM_007282.4, NM_001378286.1, NM_001378285.1); c.52+5C>G (NM_183383.2, NM_001378288.1, NM_001378289.1 and 2 more transcripts); c.16+15C>G (NM_001378291.1).
Identifiers: ClinVar variation 3659637 (VCV003659637.2).
Genomic context (GRCh38, chr3:149,895,575, plus strand): 5'-CACAATGTTGATTCTGATGACCTCATTAGCATGGGATCCAACGACAGTAAGTACAGGTAT[C>G]ACTTTTCTTCTCTCCTGTTTGACAGATCATTTGTAACTAAAAATTAACAGGATTTTCCTT-3'

ClinVar aggregate classification (germline): Uncertain significance (1 of 4 stars; one submission).

Submission:

Labcorp Genetics (formerly Invitae), Labcorp
Classification: Uncertain significance. Last evaluated: 2024-07-16. Review status: criteria provided, single submitter. Criteria: Invitae Variant Classification Sherloc (09022015). Collection method: clinical testing. Allele origin: germline.
Comment: This sequence change falls in intron 6 of the RNF13 gene. It does not directly change the encoded amino acid sequence of the RNF13 protein. This variant is not present in population databases (gnomAD no frequency). This variant has not been reported in the literature in individuals affected with RNF13-related conditions. Algorithms developed to predict the effect of sequence changes on RNA splicing suggest that this variant may disrupt the consensus splice site. In summary, the available evidence is currently insufficient to determine the role of this variant in disease. Therefore, it has been classified as a Variant of Uncertain Significance.